The following is an entry in ClinVar:

NM_001077653.2(TBX20):c.190C>T (p.His64Tyr)

Gene: TBX20 (T-box transcription factor 20; minus strand). Cytogenetic location: 7p14.2.
Variant type: single nucleotide variant.
Coding change: c.190C>T on transcript NM_001077653.2 (MANE Select); coding-DNA position 190, C replaced by T.
Protein change: p.His64Tyr; replaces histidine 64 with tyrosine.
Molecular consequence: missense variant.
Genome position (GRCh38, 1-based): chr7:35,250,141, G>A on the plus strand (C>T on the coding strand, the complement: TBX20 is on the minus strand). VCF-style: chr7-35250141-G-A. GRCh37 (hg19) VCF-style: chr7-35289753-G-A.
Other names: c.190C>T, p.His64Tyr (NM_001166220.1); short protein forms H64Y.
Identifiers: ClinVar variation 3672672 (VCV003672672.2).
Genomic context (GRCh38, chr7:35,250,141, plus strand): 5'-GCTCAGTGCACAGAGAGGAGGAGGACGGGCTGCTGCCACTGCCTCCACCAAACTCCCCAT[G>A]AGCATCCAGGCTGGTCAGCTCACCCAGGGGCTGGGCACAGGACGACTTCTCCACAAATTG-3'
Protein context (NP_001071121.1, residues 54-74): PLGELTSLDA[His64Tyr]GEFGGGSGSS

ClinVar aggregate classification (germline): Uncertain significance (1 of 4 stars; one submission).

Submission:

Labcorp Genetics (formerly Invitae), Labcorp
Classification: Uncertain significance. Last evaluated: 2024-06-12. Review status: criteria provided, single submitter. Criteria: Invitae Variant Classification Sherloc (09022015). Collection method: clinical testing. Allele origin: germline.
Comment: This sequence change replaces histidine, which is basic and polar, with tyrosine, which is neutral and polar, at codon 64 of the TBX20 protein (p.His64Tyr). This variant is not present in population databases (gnomAD no frequency). This variant has not been reported in the literature in individuals affected with TBX20-related conditions. An algorithm developed to predict the effect of missense changes on protein structure and function (PolyPhen-2) suggests that this variant is likely to be tolerated. In summary, the available evidence is currently insufficient to determine the role of this variant in disease. Therefore, it has been classified as a Variant of Uncertain Significance.